The following is an entry in ClinVar:

ClinVar aggregate classification (germline): Pathogenic. Review status: reviewed by expert panel (3 of 4 stars). 3 submissions from 3 submitters: Pathogenic (1). 2 of the submissions do not count toward it. Last evaluated 2017-12-15.

Conditions:
Hereditary cancer-predisposing syndrome. Also called: Tumor predisposition; Hereditary Cancer Syndrome; Hereditary neoplastic syndrome; Neoplastic Syndromes, Hereditary. Identifiers: Orphanet 140162, MedGen C0027672, MeSH D009386, MONDO:0015356.
Hereditary breast ovarian cancer syndrome. Also called: Hereditary breast and ovarian cancer; Breast and ovarian cancer; BRCA1- and BRCA2-Associated Hereditary Breast and Ovarian Cancer; Hereditary breast and ovarian cancer syndrome; Hereditary breast and ovarian cancer syndrome (HBOC); Hereditary breast and/or ovarian cancer syndrome. Identifiers: Orphanet 145, MedGen C0677776, MeSH D061325, MONDO:0003582. Disease mechanism: loss of function.
Breast-ovarian cancer, familial, susceptibility to, 2 (BROVCA2). Also called: BRCA2 Hereditary Breast and Ovarian Cancer. Identifiers: Orphanet 145, MedGen C2675520, MONDO:0012933, OMIM 612555. Disease mechanism: loss of function.

Submissions (3):

Evidence-based Network for the Interpretation of Germline Mutant Alleles (ENIGMA)
Classification: Pathogenic for Breast-ovarian cancer, familial, susceptibility to, 2. Last evaluated: 2017-12-15. Review status: reviewed by expert panel. Criteria: ENIGMA BRCA1/2 Classification Criteria (2017-06-29). Collection method: curation. Allele origin: germline. Study: ENIGMA.
Comment: Variant allele predicted to encode a truncated non-functional protein.

Labcorp Genetics (formerly Invitae), Labcorp
Classification: Pathogenic for Hereditary breast ovarian cancer syndrome. Last evaluated: 2025-12-24. Review status: criteria provided, single submitter. Criteria: Invitae Variant Classification Sherloc (09022015). Collection method: clinical testing. Allele origin: germline. Not counted in ClinVar's aggregate classification.
Comment: This sequence change creates a premature translational stop signal (p.Leu1462Lysfs*3) in the BRCA2 gene. It is expected to result in an absent or disrupted protein product. Loss-of-function variants in BRCA2 are known to be pathogenic (PMID: 20104584). This variant is not present in population databases (gnomAD no frequency). This variant has not been reported in the literature in individuals affected with BRCA2-related conditions. ClinVar contains an entry for this variant (Variation ID: 233598). For these reasons, this variant has been classified as Pathogenic.

Ambry Genetics
Classification: Pathogenic for Hereditary cancer-predisposing syndrome. Last evaluated: 2018-09-10. Review status: criteria provided, single submitter. Criteria: Ambry Variant Classification Scheme 2023. Collection method: clinical testing. Allele origin: germline. Not counted in ClinVar's aggregate classification.
Comment: The c.4383_4384delCT pathogenic mutation, located in coding exon 10 of the BRCA2 gene, results from a deletion of two nucleotides at nucleotide positions 4383 to 4384, causing a translational frameshift with a predicted alternate stop codon (p.L1462Kfs*3). This alteration is expected to result in loss of function by premature protein truncation or nonsense-mediated mRNA decay. As such, this alteration is interpreted as a disease-causing mutation.

Literature cited by the submitters: PubMed 20104584 (cited by Labcorp Genetics (formerly Invitae), Labcorp).

NM_000059.4(BRCA2):c.4383_4384del (p.Leu1462fs)

Gene: BRCA2 (BRCA2 DNA repair associated; plus strand). Cytogenetic location: 13q13.1.
Variant type: Deletion.
Coding change: c.4383_4384del on transcript NM_000059.4 (MANE Select); coding-DNA positions 4383 to 4384, 2 bases deleted (CT; older notation c.4383_4384delCT).
Protein change: p.Leu1462fs; shifts the reading frame from leucine 1462.
Molecular consequence: frameshift variant.
Genome position (GRCh38, 1-based): chr13:32,338,738-32,338,739, CT deleted. VCF-style (leftmost placement, unchanged base first): chr13-32338737-CCT-C. GRCh37 (hg19) VCF-style: chr13-32912874-CCT-C.
Other names: c.4383_4384delCT (NM_000059.3); short protein forms L1462fs.
Identifiers: ClinVar variation 233598 (VCV000233598.14), dbSNP rs876660510, ClinGen allele CA10579614.